The following is an entry in ClinVar:

ClinVar aggregate classification (germline): Likely pathogenic (1 of 4 stars; one submission).

Conditions:
Alpha-N-acetylgalactosaminidase deficiency type 1. Also called: NAGA DEFICIENCY, TYPE I; NEUROAXONAL DYSTROPHY, SCHINDLER TYPE; SCHINDLER DISEASE, TYPE I; ALPHA-N-ACETYLGALACTOSAMINIDASE DEFICIENCY, TYPE I. Identifiers: Orphanet 3137, Orphanet 79279, Orphanet 79281, MedGen C1836544, MONDO:0012221, OMIM 609241.

Submission:

Labcorp Genetics (formerly Invitae), Labcorp
Classification: Likely pathogenic for Alpha-N-acetylgalactosaminidase deficiency type 1. Last evaluated: 2023-04-17. Review status: criteria provided, single submitter. Criteria: Invitae Variant Classification Sherloc (09022015). Collection method: clinical testing. Allele origin: germline.
Comment: In summary, the currently available evidence indicates that the variant is pathogenic, but additional data are needed to prove that conclusively. Therefore, this variant has been classified as Likely Pathogenic. Algorithms developed to predict the effect of sequence changes on RNA splicing suggest that this variant may disrupt the consensus splice site. This variant has not been reported in the literature in individuals affected with NAGA-related conditions. This variant is not present in population databases (gnomAD no frequency). This variant results in the deletion of part of exon 7 (c.949_957+8del) of the NAGA gene. It is expected to disrupt RNA splicing. Variants that disrupt the donor or acceptor splice site typically lead to a loss of protein function (PMID: 16199547), and loss-of-function variants in NAGA are known to be pathogenic (PMID: 8782044, 11251574).

Literature cited by the submitters: PubMed 16199547; PubMed 8782044; PubMed 11251574.

NM_000262.3(NAGA):c.949_957+8del

Gene: NAGA (alpha-N-acetylgalactosaminidase; minus strand). Cytogenetic location: 22q13.2.
Variant type: Deletion.
Coding change: c.949_957+8del on transcript NM_000262.3 (MANE Select); coding-DNA position 949 through 8 bases into the intron after coding-DNA position 957, 17 bases deleted (ATTCACAAGGTACTAGG).
Molecular consequence: splice donor variant.
Genome position (GRCh38, 1-based): chr22:42,062,819-42,062,835, CCTAGTACCTTGTGAAT deleted on the plus strand (ATTCACAAGGTACTAGG on the coding strand, the reverse complement: NAGA is on the minus strand); deleting any 17 consecutive bases within chr22:42,062,819-42,062,838 gives the same sequence; the c. name uses the placement nearest the transcript's 3' end. VCF-style (leftmost placement, unchanged base first): chr22-42062818-CCCTAGTACCTTGTGAAT-C. GRCh37 (hg19) VCF-style: chr22-42458822-CCCTAGTACCTTGTGAAT-C.
Other names: c.949_957+8del (NM_001362850.1, NM_001362848.1).
Identifiers: ClinVar variation 2856961 (VCV002856961.3), dbSNP rs2519056187, ClinGen allele CA2739267999.